The following is an entry in ClinVar:

ClinVar aggregate classification (germline): Uncertain significance (1 of 4 stars; one submission).

gnomAD v4.1: 4 of 1,611,696 alleles (0.00025%); highest among the groups gnomAD compares: Non-Finnish European, 0.00034%; no homozygotes.

Submission:

Ambry Genetics
Classification: Uncertain significance. Last evaluated: 2026-09-02. Review status: criteria provided, single submitter. Criteria: Ambry Variant Classification Scheme 2023. Collection method: clinical testing. Allele origin: germline.
Comment: The p.E465K variant (also known as c.1393G>A), located in coding exon 8 of the ATRIP gene, results from a G to A substitution at nucleotide position 1393. The glutamic acid at codon 465 is replaced by lysine, an amino acid with similar properties. This amino acid position is conserved. In addition, this alteration is predicted to be tolerated by in silico analysis. Based on the available evidence, the clinical significance of this variant remains unclear.

NM_130384.3(ATRIP):c.1393G>A (p.Glu465Lys)

Genes: ATRIP (ATR interacting protein; plus strand), ATRIP-TREX1 (ATRIP-TREX1 readthrough; plus strand). Cytogenetic location: 3p21.31.
Variant type: single nucleotide variant.
Coding change: c.1393G>A on transcript NM_130384.3 (MANE Select); coding-DNA position 1393, G replaced by A.
Protein change: p.Glu465Lys; replaces glutamic acid 465 with lysine.
Molecular consequence: missense variant. On other transcripts: non-coding transcript variant (1).
Genome position (GRCh38, 1-based): chr3:48,460,447, G>A. VCF-style: chr3-48460447-G-A. GRCh37 (hg19) VCF-style: chr3-48501846-G-A.
Other names: c.1012G>A, p.Glu338Lys (NM_001271022.2); c.1114G>A, p.Glu372Lys (NM_001271023.2); c.1393G>A, p.Glu465Lys (NM_032166.4); short protein forms E338K, E372K, E465K.
Identifiers: ClinVar variation 5032479 (VCV005032479.1).
Genomic context (GRCh38, chr3:48,460,447, plus strand): 5'-GCACCTGGGGACTCACCGACACATTCCTCCTGCGTGAGCTCTGGGGTAGAGACCAACCCT[G>A]AGGACTCAGTGTGCATCCTGGAAGGCTTCTCTGTGACTGCACTTAGCATTCTTCAGCACC-3'
Protein context (NP_569055.1, residues 455-475): CVSSGVETNP[Glu465Lys]DSVCILEGFS